The following is an entry in ClinVar:

NM_000297.4(PKD2):c.652A>T (p.Lys218Ter)

Gene: PKD2 (polycystin 2, transient receptor potential cation channel; plus strand). Cytogenetic location: 4q22.1.
Variant type: single nucleotide variant.
Coding change: c.652A>T on transcript NM_000297.4 (MANE Select); coding-DNA position 652, A replaced by T.
Protein change: p.Lys218Ter; replaces lysine 218 with a stop codon.
Molecular consequence: nonsense. On other transcripts: non-coding transcript variant (1).
Genome position (GRCh38, 1-based): chr4:88,019,514, A>T. VCF-style: chr4-88019514-A-T. GRCh37 (hg19) VCF-style: chr4-88940666-A-T.
Other names: short protein forms K218*.
Identifiers: ClinVar variation 3254863 (VCV003254863.1), dbSNP rs2475869362.
Genomic context (GRCh38, chr4:88,019,514, plus strand): 5'-AAAGGTCTCTGGGGAACAAGACTCATGGAGGAAAGCAGCACTAACCGAGAGAAATACCTT[A>T]AAAGTGTTTTACGGGAACTGGTCACATACCTCCTTTTTCTCATAGTCTTGTGCATCTGTA-3'

ClinVar aggregate classification (germline): Pathogenic (1 of 4 stars; one submission).

Conditions:
Polycystic kidney disease 2 (PKD2). Also called: Polycystic Kidney Disease 2, Autosomal Dominant; POLYCYSTIC KIDNEY DISEASE, ADULT, TYPE II; POLYCYSTIC KIDNEY DISEASE 2 WITH OR WITHOUT POLYCYSTIC LIVER DISEASE. Identifiers: MedGen C2751306, MONDO:0013131, OMIM 613095.

Submission:

Victorian Clinical Genetics Services, Murdoch Childrens Research Institute
Classification: Pathogenic for Polycystic kidney disease 2. Last evaluated: 2023-07-17. Review status: criteria provided, single submitter. Criteria: ACMG Guidelines, 2015. Collection method: clinical testing. Allele origin: germline. Inheritance: Autosomal dominant inheritance. Affected: yes.
Comment: Based on the classification scheme VCGS_Germline_v1.3.4, this variant is classified as Pathogenic. Following criteria are met: 0102 - Loss of function is a known mechanism of disease in this gene and is associated with polycystic kidney disease 2 (MIM#613095). (I) 0107 - This gene is associated with autosomal dominant disease. (I) 0201 - Variant is predicted to cause nonsense-mediated decay (NMD) and loss of protein (premature termination codon is located at least 54 nucleotides upstream of the final exon-exon junction). (SP) 0251 - This variant is heterozygous. (I) 0301 - Variant is absent from gnomAD (both v2 and v3). (SP) 0701 - Other NMD predicted variants comparable to the one identified in this case have very strong previous evidence for pathogenicity (DECIPHER). (SP) 0803 - This variant has limited previous evidence of pathogenicity in an unrelated individual. This variant has previously been reported in an individual with autosomal dominant polycystic kidney disease (PMID: 24611717). (SP) 0905 - No published segregation evidence has been identified for this variant. (I) 1007 - No published functional evidence has been identified for this variant. (I) 1208 - Inheritance information for this variant is not currently available in this individual. (I) Legend: (SP) - Supporting pathogenic, (I) - Information, (SB) - Supporting benign

Literature cited by the submitters: PubMed 24611717.